The following is an entry in ClinVar:

NM_182931.3(KMT2E):c.5096G>T (p.Gly1699Val)

Gene: KMT2E (lysine methyltransferase 2E (inactive); plus strand). Cytogenetic location: 7q22.3.
Variant type: single nucleotide variant.
Coding change: c.5096G>T on transcript NM_182931.3 (MANE Select); coding-DNA position 5096, G replaced by T.
Protein change: p.Gly1699Val; replaces glycine 1699 with valine.
Molecular consequence: missense variant.
Genome position (GRCh38, 1-based): chr7:105,112,852, G>T. VCF-style: chr7-105112852-G-T. GRCh37 (hg19) VCF-style: chr7-104753299-G-T.
Other names: c.5096G>T (NM_182931.2); c.4970G>T, p.Gly1657Val (NM_001410908.1); c.5096G>T, p.Gly1699Val (NM_018682.4); short protein forms G1657V, G1699V.
Identifiers: ClinVar variation 2879020 (VCV002879020.4), dbSNP rs754869275, ClinGen allele CA4424913.
Genomic context (GRCh38, chr7:105,112,852, plus strand): 5'-CACCCCCACCCCCTCCTGGTCCTGCCCCTCATCACCATCCACCACCCCATCCATCCACAG[G>T]ACTCCAAGGTCTACAAGCACAACACCAGCATGTTGTAAATTCAGCACCCCCACCACCCCC-3'
Protein context (NP_891847.1, residues 1689-1709): HHHPPPHPST[Gly1699Val]LQGLQAQHQH

ClinVar aggregate classification (germline): Uncertain significance. Review status: criteria provided, multiple submitters, no conflicts (2 of 4 stars). 2 submissions from 2 submitters: Uncertain significance (2). Last evaluated 2024-12-10.

Conditions:
Inborn genetic diseases. Identifiers: MedGen C0950123, MeSH D030342.

Allele frequency attached by ClinVar (database versions not stated): ExAC 0.00001; gnomAD exomes 0.00001; gnomAD 0.00002.
gnomAD v4.1: 13 of 1,345,022 alleles (0.00097%); highest among the groups gnomAD compares: East Asian, 0.047%; no homozygotes.

Submissions (2):

Ambry Genetics
Classification: Uncertain significance for Inborn genetic diseases. Last evaluated: 2024-12-10. Review status: criteria provided, single submitter. Criteria: Ambry Variant Classification Scheme 2023. Collection method: clinical testing. Allele origin: germline.

Labcorp Genetics (formerly Invitae), Labcorp
Classification: Uncertain significance. Last evaluated: 2023-09-24. Review status: criteria provided, single submitter. Criteria: Invitae Variant Classification Sherloc (09022015). Collection method: clinical testing. Allele origin: germline.
Comment: In summary, the available evidence is currently insufficient to determine the role of this variant in disease. Therefore, it has been classified as a Variant of Uncertain Significance. An algorithm developed to predict the effect of missense changes on protein structure and function (PolyPhen-2) suggests that this variant is likely to be tolerated. This variant has not been reported in the literature in individuals affected with KMT2E-related conditions. This variant is present in population databases (rs754869275, gnomAD 0.02%). This sequence change replaces glycine, which is neutral and non-polar, with valine, which is neutral and non-polar, at codon 1699 of the KMT2E protein (p.Gly1699Val).